The following is an entry in ClinVar:

NM_024747.6(HPS6):c.97C>T (p.Arg33Ter)

Genes: HPS6 (HPS6 biogenesis of lysosomal organelles complex 2 subunit 3; plus strand), LOC130004578 (ATAC-STARR-seq lymphoblastoid silent region 2738; plus strand). Cytogenetic location: 10q24.32.
Variant type: single nucleotide variant.
Coding change: c.97C>T on transcript NM_024747.6 (MANE Select); coding-DNA position 97, C replaced by T.
Protein change: p.Arg33Ter; replaces arginine 33 with a stop codon.
Molecular consequence: nonsense.
Genome position (GRCh38, 1-based): chr10:102,065,571, C>T. VCF-style: chr10-102065571-C-T. GRCh37 (hg19) VCF-style: chr10-103825328-C-T.
Other names: short protein forms R33*.
Identifiers: ClinVar variation 3011863 (VCV003011863.4), dbSNP rs2136333690, ClinGen allele CA377854318.

ClinVar aggregate classification (germline): Pathogenic. Review status: criteria provided, multiple submitters, no conflicts (2 of 4 stars). 2 submissions from 2 submitters: Pathogenic (2). Last evaluated 2025-11-28.

Conditions:
Hermansky-Pudlak syndrome (HPS). Also called: ALBINISM WITH HEMORRHAGIC DIATHESIS AND PIGMENTED RETICULOENDOTHELIAL CELLS. Identifiers: Orphanet 79430, MedGen C0079504, MONDO:0019312.

Submissions (2):

Women's Health and Genetics/Laboratory Corporation of America, LabCorp
Classification: Pathogenic for Hermansky-Pudlak syndrome. Last evaluated: 2025-11-28. Review status: criteria provided, single submitter. Criteria: LabCorp Variant Classification Summary - May 2015. Collection method: clinical testing. Allele origin: germline.
Comment: Variant summary: HPS6 c.97C>T (p.Arg33X) results in a premature termination codon, and although it is not predicted to cause absence of the protein due to nonsense mediated decay, it is expected to result in a truncation of the encoded protein, which is a commonly known mechanism for disease. Variants downstream of this position have been classified as pathogenic by our laboratory and other ClinVar submitters. The variant was absent in 154076 control chromosomes. To our knowledge, no occurrence of c.97C>T in individuals affected with HPS6-related conditions and no experimental evidence demonstrating its impact on protein function have been reported. ClinVar contains an entry for this variant (Variation ID: 3011863). Based on the evidence outlined above, the variant was classified as pathogenic.

Labcorp Genetics (formerly Invitae), Labcorp
Classification: Pathogenic. Last evaluated: 2023-07-29. Review status: criteria provided, single submitter. Criteria: Invitae Variant Classification Sherloc (09022015). Collection method: clinical testing. Allele origin: germline.
Comment: This sequence change creates a premature translational stop signal (p.Arg33*) in the HPS6 gene. While this is not anticipated to result in nonsense mediated decay, it is expected to disrupt the last 743 amino acid(s) of the HPS6 protein. For these reasons, this variant has been classified as Pathogenic. This variant disrupts a region of the HPS6 protein in which other variant(s) (p.Gln680*) have been determined to be pathogenic (PMID: 27225848, 29054114, 31141302). This suggests that this is a clinically significant region of the protein, and that variants that disrupt it are likely to be disease-causing. This variant has not been reported in the literature in individuals affected with HPS6-related conditions. This variant is not present in population databases (gnomAD no frequency).

Literature cited by the submitters: PubMed 27225848 (cited by Labcorp Genetics (formerly Invitae), Labcorp); PubMed 29054114 (cited by Labcorp Genetics (formerly Invitae), Labcorp); PubMed 31141302 (cited by Labcorp Genetics (formerly Invitae), Labcorp).